The following is an entry in ClinVar:

ClinVar aggregate classification (germline): Conflicting classifications of pathogenicity. Review status: criteria provided, conflicting classifications (1 of 4 stars). 3 submissions from 3 submitters: Uncertain significance (1); Likely benign (2). Last evaluated 2023-12-13.

Conditions:
Fanconi anemia complementation group J. Also called: BRIP1-Related Fanconi Anemia. Identifiers: Orphanet 84, MedGen C1836860, MONDO:0012187, OMIM 609054.
Familial cancer of breast. Also called: BREAST CANCER, FAMILIAL; hereditary breast carcinoma; Hereditary breast cancer. Identifiers: Orphanet 227535, MedGen C0346153, MONDO:0016419, OMIM 114480. Disease mechanism: loss of function.
Hereditary cancer-predisposing syndrome. Also called: Neoplastic Syndromes, Hereditary; Hereditary neoplastic syndrome; Tumor predisposition; Hereditary Cancer Syndrome. Identifiers: Orphanet 140162, MedGen C0027672, MeSH D009386, MONDO:0015356.

Allele frequency attached by ClinVar (database versions not stated): TOPMed 0.00001.

Submissions (3):

Myriad Genetics, Inc.
Classification: Likely benign for Familial cancer of breast. Last evaluated: 2023-12-13. Review status: criteria provided, single submitter. Criteria: Myriad Autosomal Dominant, Autosomal Recessive and X-Linked Classification Criteria (2023). Collection method: clinical testing. Allele origin: unknown.
Comment: This variant is considered likely benign. This variant is a silent/synonymous amino acid change and it is not expected to impact splicing.

Labcorp Genetics (formerly Invitae), Labcorp
Classification: Uncertain significance for Familial cancer of breast; Fanconi anemia complementation group J. Last evaluated: 2022-06-03. Review status: criteria provided, single submitter. Criteria: Invitae Variant Classification Sherloc (09022015). Collection method: clinical testing. Allele origin: germline.
Comment: This sequence change affects codon 209 of the BRIP1 mRNA. It is a 'silent' change, meaning that it does not change the encoded amino acid sequence of the BRIP1 protein. It affects a nucleotide within the consensus splice site. This variant is not present in population databases (gnomAD no frequency). This variant has not been reported in the literature in individuals affected with BRIP1-related conditions. ClinVar contains an entry for this variant (Variation ID: 530335). Algorithms developed to predict the effect of sequence changes on RNA splicing suggest that this variant is not likely to affect RNA splicing. In summary, the available evidence is currently insufficient to determine the role of this variant in disease. Therefore, it has been classified as a Variant of Uncertain Significance.

Ambry Genetics
Classification: Likely benign for Hereditary cancer-predisposing syndrome. Last evaluated: 2019-07-02. Review status: criteria provided, single submitter. Criteria: Ambry Variant Classification Scheme 2023. Collection method: clinical testing. Allele origin: germline.

NM_032043.3(BRIP1):c.627A>G (p.Lys209=)

Gene: BRIP1 (BRCA1 interacting DNA helicase 1; minus strand). Cytogenetic location: 17q23.2.
Variant type: single nucleotide variant.
Coding change: c.627A>G on transcript NM_032043.3 (MANE Select); coding-DNA position 627, A replaced by G.
Protein change: p.Lys209=; no amino-acid change (lysine 209 retained).
Molecular consequence: synonymous variant.
Genome position (GRCh38, 1-based): chr17:61,847,101, T>C on the plus strand (A>G on the coding strand, the complement: BRIP1 is on the minus strand). VCF-style: chr17-61847101-T-C. GRCh37 (hg19) VCF-style: chr17-59924462-T-C.
Identifiers: ClinVar variation 530335 (VCV000530335.12), dbSNP rs1555615717, ClinGen allele CA501150600.